The following is an entry in ClinVar:

NM_017649.5(CNNM2):c.1264G>A (p.Asp422Asn)

Gene: CNNM2 (cyclin and CBS domain divalent metal cation transport mediator 2; plus strand). Cytogenetic location: 10q24.32.
Variant type: single nucleotide variant.
Coding change: c.1264G>A on transcript NM_017649.5 (MANE Select); coding-DNA position 1264, G replaced by A.
Protein change: p.Asp422Asn; replaces aspartic acid 422 with asparagine.
Molecular consequence: missense variant.
Genome position (GRCh38, 1-based): chr10:102,919,744, G>A. VCF-style: chr10-102919744-G-A. GRCh37 (hg19) VCF-style: chr10-104679501-G-A.
Other names: c.1264G>A, p.Asp422Asn (NM_199076.3, NM_199077.3); short protein forms D422N.
Identifiers: ClinVar variation 1305886 (VCV001305886.2), dbSNP rs2134150695, ClinGen allele CA377960206.

ClinVar aggregate classification (germline): Uncertain significance (1 of 4 stars; one submission).

Submission:

GeneDx
Classification: Uncertain significance. Last evaluated: 2021-04-02. Review status: criteria provided, single submitter. Criteria: GeneDx Variant Classification Process June 2021. Collection method: clinical testing. Allele origin: germline. Affected: yes.
Comment: Not observed in large population cohorts (Lek et al., 2016); In silico analysis supports that this missense variant has a deleterious effect on protein structure/function; Has not been previously published as pathogenic or benign to our knowledge